The following is an entry in ClinVar:

ClinVar aggregate classification (germline): Uncertain significance (1 of 4 stars; one submission).

Conditions:
Spastic ataxia 2. Also called: Ataxia, spastic, 2, autosomal recessive. Identifiers: Orphanet 397946, MedGen C1969796, MONDO:0012651, OMIM 611302.

Allele frequency attached by ClinVar (database versions not stated): gnomAD exomes below 0.00001; TOPMed below 0.00001; gnomAD 0.00001.
gnomAD v4.1: 4 of 1,611,736 alleles (0.00025%); highest among the groups gnomAD compares: East Asian, 0.0022%; no homozygotes.

Submission:

Labcorp Genetics (formerly Invitae), Labcorp
Classification: Uncertain significance for Spastic ataxia 2. Last evaluated: 2022-12-31. Review status: criteria provided, single submitter. Criteria: Invitae Variant Classification Sherloc (09022015). Collection method: clinical testing. Allele origin: germline.
Comment: This sequence change replaces proline, which is neutral and non-polar, with leucine, which is neutral and non-polar, at codon 413 of the KIF1C protein (p.Pro413Leu). This variant is not present in population databases (gnomAD no frequency). This variant has not been reported in the literature in individuals affected with KIF1C-related conditions. Algorithms developed to predict the effect of missense changes on protein structure and function output the following: SIFT: "Deleterious"; PolyPhen-2: "Benign"; Align-GVGD: "Class C35". The leucine amino acid residue is found in multiple mammalian species, which suggests that this missense change does not adversely affect protein function. In summary, the available evidence is currently insufficient to determine the role of this variant in disease. Therefore, it has been classified as a Variant of Uncertain Significance.

NM_006612.6(KIF1C):c.1238C>T (p.Pro413Leu)

Gene: KIF1C (kinesin family member 1C; plus strand). Cytogenetic location: 17p13.2.
Variant type: single nucleotide variant.
Coding change: c.1238C>T on transcript NM_006612.6 (MANE Select); coding-DNA position 1238, C replaced by T.
Protein change: p.Pro413Leu; replaces proline 413 with leucine.
Molecular consequence: missense variant.
Genome position (GRCh38, 1-based): chr17:5,006,987, C>T. VCF-style: chr17-5006987-C-T. GRCh37 (hg19) VCF-style: chr17-4910282-C-T.
Other names: short protein forms P413L.
Identifiers: ClinVar variation 2792296 (VCV002792296.3), dbSNP rs1974748952, ClinGen allele CA397348975.